The following is an entry in ClinVar:

NM_032228.6(FAR1):c.956-3C>A

Gene: FAR1 (fatty acyl-CoA reductase 1; plus strand). Cytogenetic location: 11p15.3.
Variant type: single nucleotide variant.
Coding change: c.956-3C>A on transcript NM_032228.6 (MANE Select); 3 bases into the intron before coding-DNA position 956, C replaced by A.
Molecular consequence: intron variant.
Genome position (GRCh38, 1-based): chr11:13,714,506, C>A. VCF-style: chr11-13714506-C-A. GRCh37 (hg19) VCF-style: chr11-13736053-C-A.
Identifiers: ClinVar variation 2039085 (VCV002039085.4), dbSNP rs2500139471, ClinGen allele CA2580082834.
Genomic context (GRCh38, chr11:13,714,506, plus strand): 5'-TTTTTTTTCAAAACTTCATTACATGGTTATTATCAAAGCTGTTACACAACTTTTCTTCTT[C>A]AGAGTACCATGTAATTTCCACTTTCAAGAGGAATCCTCTCGAACAGGCCTTCAGACGGCC-3'

ClinVar aggregate classification (germline): Uncertain significance (1 of 4 stars; one submission).

Submission:

Labcorp Genetics (formerly Invitae), Labcorp
Classification: Uncertain significance. Last evaluated: 2022-09-11. Review status: criteria provided, single submitter. Criteria: Invitae Variant Classification Sherloc (09022015). Collection method: clinical testing. Allele origin: germline.
Comment: In summary, the available evidence is currently insufficient to determine the role of this variant in disease. Therefore, it has been classified as a Variant of Uncertain Significance. Variants that disrupt the consensus splice site are a relatively common cause of aberrant splicing (PMID: 17576681, 9536098). Algorithms developed to predict the effect of sequence changes on RNA splicing suggest that this variant may disrupt the consensus splice site. This variant has not been reported in the literature in individuals affected with FAR1-related conditions. This variant is not present in population databases (gnomAD no frequency). This sequence change falls in intron 8 of the FAR1 gene. It does not directly change the encoded amino acid sequence of the FAR1 protein. It affects a nucleotide within the consensus splice site.

Literature cited by the submitters: PubMed 17576681; PubMed 9536098.